The following is an entry in ClinVar:

NM_001348800.3(ZBTB20):c.1638T>G (p.Gly546=)

Gene: ZBTB20 (zinc finger and BTB domain containing 20; minus strand). Cytogenetic location: 3q13.31.
Variant type: single nucleotide variant.
Coding change: c.1638T>G on transcript NM_001348800.3 (MANE Select); coding-DNA position 1638, T replaced by G.
Protein change: p.Gly546=; no amino-acid change (glycine 546 retained).
Molecular consequence: synonymous variant.
Genome position (GRCh38, 1-based): chr3:114,350,440, A>C on the plus strand (T>G on the coding strand, the complement: ZBTB20 is on the minus strand). VCF-style: chr3-114350440-A-C. GRCh37 (hg19) VCF-style: chr3-114069287-A-C.
Other names: c.1638T>G, p.Gly546= (NM_001164342.2, NM_001348803.3, NM_001393393.1 and 1 more transcripts); c.1419T>G, p.Gly473= (NM_001164343.2, NM_001164344.4, NM_001164345.4 and 9 more transcripts).
Identifiers: ClinVar variation 1591230 (VCV001591230.32), dbSNP rs777884900, ClinGen allele CA2551282.

ClinVar aggregate classification (germline): Likely benign. Review status: criteria provided, multiple submitters, no conflicts (2 of 4 stars). 2 submissions from 2 submitters: Likely benign (2). Last evaluated 2025-11-25.

Allele frequency attached by ClinVar (database versions not stated): gnomAD 0.00006; ExAC 0.00007; TOPMed 0.00008.
gnomAD v4.1: 148 of 1,613,760 alleles (0.0092%); highest among the groups gnomAD compares: Non-Finnish European, 0.012%; no homozygotes.

Submissions (2):

Labcorp Genetics (formerly Invitae), Labcorp
Classification: Likely benign. Last evaluated: 2025-11-25. Review status: criteria provided, single submitter. Criteria: Invitae Variant Classification Sherloc (09022015). Collection method: clinical testing. Allele origin: germline.

CeGaT Center for Human Genetics Tuebingen
Classification: Likely benign. Last evaluated: 2024-09-01. Review status: criteria provided, single submitter. Criteria: CeGaT Center For Human Genetics Tuebingen Variant Classification Criteria Version 2. Collection method: clinical testing. Allele origin: germline. Affected: yes. Observed: 2 variant alleles.
Comment: ZBTB20: BP4, BP7